The following is an entry in ClinVar:

ClinVar aggregate classification (germline): Uncertain significance (1 of 4 stars; one submission).

gnomAD v4.1: 7 of 1,209,613 alleles (0.00058%); highest among the groups gnomAD compares: East Asian, 0.0059%; no homozygotes.

Submission:

GeneDx
Classification: Uncertain significance. Last evaluated: 2026-07-24. Review status: criteria provided, single submitter. Criteria: GeneDx Variant Classification Process June 2021. Collection method: clinical testing. Allele origin: germline.
Comment: Missense variants in this gene are a common cause of disease and they are underrepresented in the general population; In silico analysis supports that this missense variant has a deleterious effect on protein structure/function; Has not been previously published as pathogenic or benign to our knowledge; This variant is associated with the following publications: (PMID: 26432019)

NM_003334.4(UBA1):c.1319C>G (p.Thr440Arg)

Gene: UBA1 (ubiquitin like modifier activating enzyme 1; plus strand). Cytogenetic location: Xp11.3.
Variant type: single nucleotide variant.
Coding change: c.1319C>G on transcript NM_003334.4 (MANE Select); coding-DNA position 1319, C replaced by G.
Protein change: p.Thr440Arg; replaces threonine 440 with arginine.
Molecular consequence: missense variant.
Genome position (GRCh38, 1-based): chrX:47,203,028, C>G. VCF-style: chrX-47203028-C-G. GRCh37 (hg19) VCF-style: chrX-47062427-C-G.
Other names: c.1319C>G, p.Thr440Arg (NM_153280.3); short protein forms T440R.
Identifiers: ClinVar variation 3360838 (VCV003360838.2).